The following is an entry in ClinVar:

NM_001385012.1(NBEA):c.6250A>C (p.Asn2084His)

Gene: NBEA (neurobeachin; plus strand). Cytogenetic location: 13q13.3.
Variant type: single nucleotide variant.
Coding change: c.6250A>C on transcript NM_001385012.1 (MANE Select); coding-DNA position 6250, A replaced by C.
Protein change: p.Asn2084His; replaces asparagine 2084 with histidine.
Molecular consequence: missense variant.
Genome position (GRCh38, 1-based): chr13:35,432,339, A>C. VCF-style: chr13-35432339-A-C. GRCh37 (hg19) VCF-style: chr13-36006476-A-C.
Other names: c.6241A>C, p.Asn2081His (NM_001379245.1); c.6250A>C, p.Asn2084His (NM_015678.5); short protein forms N2081H, N2084H.
Identifiers: ClinVar variation 4281949 (VCV004281949.1).

ClinVar aggregate classification (germline): Uncertain significance (1 of 4 stars; one submission).

Submission:

GeneDx
Classification: Uncertain significance. Last evaluated: 2025-04-15. Review status: criteria provided, single submitter. Criteria: GeneDx Variant Classification Process June 2021. Collection method: clinical testing. Allele origin: germline. Affected: yes.
Comment: Not observed at significant frequency in large population cohorts (gnomAD); In silico analysis supports that this missense variant has a deleterious effect on protein structure/function; Has not been previously published as pathogenic or benign to our knowledge